The following is an entry in ClinVar:

ClinVar aggregate classification (germline): Likely benign (1 of 4 stars; one submission).

Allele frequency attached by ClinVar (database versions not stated): ESP Exome Variant Server 0.00023; gnomAD 0.00023; ExAC 0.00024; TOPMed 0.00031; 1000 Genomes Project 0.00060; 1000 Genomes Project 30x 0.00062.
gnomAD v4.1: 450 of 1,614,238 alleles (0.028%); highest among the groups gnomAD compares: Admixed American, 0.083%; no homozygotes.

Submission:

CeGaT Center for Human Genetics Tuebingen
Classification: Likely benign. Last evaluated: 2022-12-01. Review status: criteria provided, single submitter. Criteria: CeGaT Center For Human Genetics Tuebingen Variant Classification Criteria Version 2. Collection method: clinical testing. Allele origin: germline. Affected: yes. Observed: 1 variant allele.
Comment: UFC1: BP4, BP7

NM_016406.4(UFC1):c.432A>G (p.Pro144=)

Gene: UFC1 (ubiquitin-fold modifier conjugating enzyme 1; plus strand). Cytogenetic location: 1q23.3.
Variant type: single nucleotide variant.
Coding change: c.432A>G on transcript NM_016406.4 (MANE Select); coding-DNA position 432, A replaced by G.
Protein change: p.Pro144=; no amino-acid change (proline 144 retained).
Molecular consequence: synonymous variant.
Genome position (GRCh38, 1-based): chr1:161,158,420, A>G. VCF-style: chr1-161158420-A-G. GRCh37 (hg19) VCF-style: chr1-161128210-A-G.
Identifiers: ClinVar variation 2639507 (VCV002639507.24), dbSNP rs142546576, ClinGen allele CA1206472.
Genomic context (GRCh38, chr1:161,158,420, plus strand): 5'-AACAAGAAGCATTGACTGGTAGTAATCTCACAGGATTTTCCTTGTATTGCAGCTGGGTCC[A>G]TGGCTGGCAGTGGAAATCCCTGATCTGATTCAGAAGGGCGTCATCCAACACAAAGAGAAA-3'
Protein context (NP_057490.2, residues 134-154): LAHLMALGLG[Pro144=]WLAVEIPDLI